The following is an entry in ClinVar:

ClinVar aggregate classification (germline): Uncertain significance (1 of 4 stars; one submission).

Conditions:
Joubert syndrome 21 (JBTS21). Identifiers: MedGen C3810212, MONDO:0014288, OMIM 615636.

Allele frequency attached by ClinVar (database versions not stated): gnomAD exomes below 0.00001; ExAC 0.00001; gnomAD 0.00001; TOPMed 0.00001.

Submission:

Labcorp Genetics (formerly Invitae), Labcorp
Classification: Uncertain significance for Joubert syndrome 21. Last evaluated: 2022-04-22. Review status: criteria provided, single submitter. Criteria: Invitae Variant Classification Sherloc (09022015). Collection method: clinical testing. Allele origin: germline.
Comment: This sequence change replaces proline, which is neutral and non-polar, with leucine, which is neutral and non-polar, at codon 464 of the CSPP1 protein (p.Pro464Leu). This variant is present in population databases (rs780980079, gnomAD 0.003%). This variant has not been reported in the literature in individuals affected with CSPP1-related conditions. Algorithms developed to predict the effect of missense changes on protein structure and function (SIFT, PolyPhen-2, Align-GVGD) all suggest that this variant is likely to be tolerated. In summary, the available evidence is currently insufficient to determine the role of this variant in disease. Therefore, it has been classified as a Variant of Uncertain Significance.

NM_001382391.1(CSPP1):c.1406C>T (p.Pro469Leu)

Gene: CSPP1 (centrosome and spindle pole associated protein 1; plus strand). Cytogenetic location: 8q13.2.
Variant type: single nucleotide variant.
Coding change: c.1406C>T on transcript NM_001382391.1 (MANE Select); coding-DNA position 1406, C replaced by T.
Protein change: p.Pro469Leu; replaces proline 469 with leucine.
Molecular consequence: missense variant.
Genome position (GRCh38, 1-based): chr8:67,116,032, C>T. VCF-style: chr8-67116032-C-T. GRCh37 (hg19) VCF-style: chr8-68028267-C-T.
Other names: c.509C>T, p.Pro170Leu (NM_001291339.2); c.1325C>T, p.Pro442Leu (NM_001363131.2); c.1364C>T, p.Pro455Leu (NM_001363132.2); c.1283C>T, p.Pro428Leu (NM_001363133.2); c.1472C>T, p.Pro491Leu (NM_001364869.1); c.1292C>T, p.Pro431Leu (NM_001364870.1); c.1391C>T, p.Pro464Leu (NM_024790.7); short protein forms P455L, P464L, P469L, P170L, P431L, P428L, P491L, P442L.
Identifiers: ClinVar variation 2129469 (VCV002129469.4), dbSNP rs780980079, ClinGen allele CA4770532.